The following is an entry in ClinVar:

NM_014208.3(DSPP):c.2967T>C (p.Ser989=)

Genes: DMP1-AS1 (DMP1 and DSPP antisense RNA 1; minus strand), DSPP (dentin sialophosphoprotein; plus strand). Cytogenetic location: 4q22.1.
Variant type: single nucleotide variant.
Coding change: c.2967T>C on transcript NM_014208.3 (MANE Select); coding-DNA position 2967, T replaced by C.
Protein change: p.Ser989=; no amino-acid change (serine 989 retained).
Molecular consequence: synonymous variant.
Genome position (GRCh38, 1-based): chr4:87,615,629, T>C. VCF-style: chr4-87615629-T-C. GRCh37 (hg19) VCF-style: chr4-88536781-T-C.
Identifiers: ClinVar variation 3388472 (VCV003388472.15).
Genomic context (GRCh38, chr4:87,615,629, plus strand): 5'-TGATAGCAATAGCAGCGACAGCAGTGACAGCAGCAACAGCAGCGATAGCAGTGACAGCAG[T>C]GATAGCAGTGACAGCAGTGACAGCAGTGATAGCAGCAACAGCAGTGATAGCAGTGACAGC-3'
Protein context (NP_055023.2, residues 979-999): SSNSSDSSDS[Ser989=]DSSDSSDSSD

ClinVar aggregate classification (germline): Likely benign. Review status: criteria provided, multiple submitters, no conflicts (2 of 4 stars). 2 submissions from 2 submitters: Likely benign (2). Last evaluated 2026-03-01.

Submissions (2):

CeGaT Center for Human Genetics Tuebingen
Classification: Likely benign. Last evaluated: 2026-03-01. Review status: criteria provided, single submitter. Criteria: CeGaT Center For Human Genetics Tuebingen Variant Classification Criteria Version 2. Collection method: clinical testing. Allele origin: germline. Affected: yes. Observed: 3 variant alleles.
Comment: DSPP: BP4, BP7

Blueprint Genetics
Classification: Likely benign. Last evaluated: 2023-11-13. Review status: criteria provided, single submitter. Criteria: ACMG Guidelines, 2015. Collection method: clinical testing. Allele origin: germline.